The following is an entry in ClinVar:

ClinVar aggregate classification (germline): Pathogenic. Review status: reviewed by expert panel (3 of 4 stars). 7 submissions from 7 submitters: Pathogenic (1). 6 of the submissions do not count toward it. Last evaluated 2017-03-17.

Conditions:
CFTR-related disorder (CFTR-RD). Also called: CFTR-related condition; CFTR-related disorders. Identifiers: MedGen C5924204, MONDO:7770004.
Cystic fibrosis (CF). Also called: MUCOVISCIDOSIS. Identifiers: Orphanet 586, MedGen C0010674, MONDO:0009061, OMIM 219700. Disease mechanism: loss of function.

Allele frequency attached by ClinVar (database versions not stated): TOPMed below 0.00001.

Submissions (7):

CFTR2
Classification: Pathogenic for Cystic fibrosis. Last evaluated: 2017-03-17. Review status: reviewed by expert panel. Criteria: Sosnay PR et al. (Nat Genet 2013). Collection method: research. Allele origin: germline. Affected: yes. Study: CFTR2.

Women's Health and Genetics/Laboratory Corporation of America, LabCorp
Classification: Pathogenic for Cystic fibrosis. Last evaluated: 2024-11-25. Review status: criteria provided, single submitter. Criteria: LabCorp Variant Classification Summary - May 2015. Collection method: clinical testing. Allele origin: germline. Not counted in ClinVar's aggregate classification.
Comment: Variant summary: CFTR c.442delA (p.Ile148LeufsX5), also known as 574delA, results in a premature termination codon, predicted to cause a truncation of the encoded protein or absence of the protein due to nonsense mediated decay, which are commonly known mechanisms for disease. The variant was absent in 250496 control chromosomes. c.442delA has been reported in the literature in a cohort affected with Cystic Fibrosis (example, Chernykh_2023). The following publication has been ascertained in the context of this evaluation (PMID: 38003474). ClinVar contains an entry for this variant (Variation ID: 53948). Based on the evidence outlined above, the variant was classified as pathogenic.

Labcorp Genetics (formerly Invitae), Labcorp
Classification: Pathogenic for Cystic fibrosis. Last evaluated: 2023-04-23. Review status: criteria provided, single submitter. Criteria: Invitae Variant Classification Sherloc (09022015). Collection method: clinical testing. Allele origin: germline. Not counted in ClinVar's aggregate classification.
Comment: For these reasons, this variant has been classified as Pathogenic. ClinVar contains an entry for this variant (Variation ID: 53948). This variant is also known as c.574delA. This premature translational stop signal has been observed in individuals with cystic fibrosis (PMID: 27728908; Invitae). This variant is not present in population databases (gnomAD no frequency). This sequence change creates a premature translational stop signal (p.Ile148Leufs*5) in the CFTR gene. It is expected to result in an absent or disrupted protein product. Loss-of-function variants in CFTR are known to be pathogenic (PMID: 1695717, 7691345, 9725922).

Myriad Genetics, Inc.
Classification: Pathogenic for Cystic fibrosis. Last evaluated: 2019-11-12. Review status: criteria provided, single submitter. Criteria: Myriad Women's Health Autosomal Recessive and X-Linked Classification Criteria (2019). Collection method: clinical testing. Allele origin: unknown. Not counted in ClinVar's aggregate classification.
Comment: NM_000492.3(CFTR):c.442delA(I148Lfs*5, aka 574delA) is classified as pathogenic in the context of cystic fibrosis and is associated with the classic form of disease. Sources cited for classification include the following: PMID 15371903, 1379210, 23974870, and 18456578. Classification of NM_000492.3(CFTR):c.442delA(I148Lfs*5, aka 574delA) is based on the following criteria: The variant causes a premature termination codon that is expected to be targeted by nonsense-mediated mRNA decay and is reported in individuals with the relevant phenotype. Please note: this variant was assessed in the context of healthy population screening.â€šÃ„Ã¶âˆšÃ‘âˆšÂ£

CFTR-France
Classification: Pathogenic for cystic fibrosis. Last evaluated: 2018-01-29. Review status: criteria provided, single submitter. Criteria: Claustres M et al. (Hum Mutat 2017). Collection method: curation. Allele origin: germline. Affected: yes. Not counted in ClinVar's aggregate classification.

Eurofins Ntd Llc (ga)
Classification: Pathogenic. Last evaluated: 2017-09-22. Review status: criteria provided, single submitter. Criteria: EGL Classification Definitions 2015. Collection method: clinical testing. Allele origin: germline. Observed: 1 variant allele, 1 heterozygote. Not counted in ClinVar's aggregate classification.

Natera, Inc.
Classification: Pathogenic for CFTR-related disorders. Last evaluated: 2017-03-17. Review status: no assertion criteria provided. Collection method: clinical testing. Allele origin: germline. Not counted in ClinVar's aggregate classification.

Literature cited by the submitters: PubMed 38003474 (cited by Women's Health and Genetics/Laboratory Corporation of America, LabCorp); PubMed 27728908 (cited by Labcorp Genetics (formerly Invitae), Labcorp); PubMed 1695717 (cited by Labcorp Genetics (formerly Invitae), Labcorp); PubMed 7691345 (cited by Labcorp Genetics (formerly Invitae), Labcorp); PubMed 9725922 (cited by Labcorp Genetics (formerly Invitae), Labcorp); PubMed 15371903 (cited by Myriad Genetics, Inc.); PubMed 1379210 (cited by Myriad Genetics, Inc.); PubMed 23974870 (cited by Myriad Genetics, Inc.); PubMed 18456578 (cited by Myriad Genetics, Inc.).

NM_000492.4(CFTR):c.442del (p.Ile148fs)

Gene: CFTR (CF transmembrane conductance regulator; plus strand). Cytogenetic location: 7q31.2.
Variant type: Deletion.
Coding change: c.442del on transcript NM_000492.4 (MANE Select); coding-DNA position 442, one base deleted (A; older notation c.442delA).
Protein change: p.Ile148fs; shifts the reading frame from isoleucine 148.
Molecular consequence: frameshift variant.
Genome position (GRCh38, 1-based): chr7:117,531,067, A deleted. VCF-style (leftmost placement, unchanged base first): chr7-117531066-CA-C. GRCh37 (hg19) VCF-style: chr7-117171120-CA-C.
Other names: 574delA; c.442delA (NM_000492.3, NM_000492.4); short protein forms I148fs.
Identifiers: ClinVar variation 53948 (VCV000053948.18), dbSNP rs121908770, ClinGen allele CA328123.
Genomic context (GRCh38, chr7:117,531,066, plus strand): 5'-ATGCCTTCTCTTTATTGTGAGGACACTGCTCCTACACCCAGCCATTTTTGGCCTTCATCA[CA>C]TTGGAATGCAGATGAGAATAGCTATGTTTAGTTTGATTTATAAGAAGGTAATACTTCCTT-3'